The following is an entry in ClinVar:

ClinVar aggregate classification (germline): Likely pathogenic (1 of 4 stars; one submission).

Allele frequency attached by ClinVar (database versions not stated): TOPMed below 0.00001; gnomAD exomes 0.00001.
gnomAD v4.1: 4 of 1,614,144 alleles (0.00025%); highest among the groups gnomAD compares: South Asian, 0.0011%; no homozygotes.

Submission:

Labcorp Genetics (formerly Invitae), Labcorp
Classification: Likely pathogenic. Last evaluated: 2025-07-27. Review status: criteria provided, single submitter. Criteria: Invitae Variant Classification Sherloc (09022015). Collection method: clinical testing. Allele origin: germline.
Comment: This sequence change affects an acceptor splice site in intron 6 of the SLC7A9 gene. It is expected to disrupt RNA splicing. Variants that disrupt the donor or acceptor splice site typically lead to a loss of protein function (PMID: 16199547), and loss-of-function variants in SLC7A9 are known to be pathogenic (PMID: 11157794, 16838140, 25296721). This variant is present in population databases (no rsID available, gnomAD 0.003%). This variant has not been reported in the literature in individuals affected with SLC7A9-related conditions. ClinVar contains an entry for this variant (Variation ID: 655170). Algorithms developed to predict the effect of sequence changes on RNA splicing suggest that this variant may disrupt the consensus splice site. In summary, the currently available evidence indicates that the variant is pathogenic, but additional data are needed to prove that conclusively. Therefore, this variant has been classified as Likely Pathogenic.

Literature cited by the submitters: PubMed 16199547; PubMed 11157794; PubMed 16838140; PubMed 25296721.

NM_014270.5(SLC7A9):c.705-2A>G

Gene: SLC7A9 (solute carrier family 7 member 9; minus strand). Cytogenetic location: 19q13.11.
Variant type: single nucleotide variant.
Coding change: c.705-2A>G on transcript NM_014270.5 (MANE Select); the canonical splice acceptor site of the intron before coding-DNA position 705, A replaced by G.
Molecular consequence: splice acceptor variant.
Genome position (GRCh38, 1-based): chr19:32,860,652, T>C on the plus strand (A>G on the coding strand, the complement: SLC7A9 is on the minus strand). VCF-style: chr19-32860652-T-C. GRCh37 (hg19) VCF-style: chr19-33351558-T-C.
Other names: c.705-2A>G (NM_001126335.2, NM_001243036.2).
Identifiers: ClinVar variation 655170 (VCV000655170.9), dbSNP rs1213412404, ClinGen allele CA405202145.
Genomic context (GRCh38, chr19:32,860,652, plus strand): 5'-GATTCAGCTGTTACCTGTAAGGGTTTCTAAGTTCTTCTGTGATGTAATTGAGTTGATTCC[T>C]GGAAAAAGGAAAGTAACAAGCGTCACACACCTTGACTTTCTTTTTCGATAATGAAACCCA-3'